The following is an entry in ClinVar:

ClinVar aggregate classification (germline): Conflicting classifications of pathogenicity. Review status: criteria provided, conflicting classifications (1 of 4 stars). 4 submissions from 4 submitters: Uncertain significance (2); Likely benign (2). Last evaluated 2026-01-29.

Conditions:
Floating-Harbor syndrome (FLHS). Also called: Short stature with delayed bone age, expressive language delay, a triangular face with a prominent nose and deep-set eyes; Pelletier-Leisti syndrome; SRCAP-Related Floating-Harbor Syndrome. Identifiers: Orphanet 2044, MedGen C0729582, MONDO:0007621, OMIM 136140.
Developmental delay, hypotonia, musculoskeletal defects, and behavioral abnormalities. Identifiers: MedGen C5562012, MONDO:0859202, OMIM 619595.

Allele frequency attached by ClinVar (database versions not stated): ESP Exome Variant Server 0.00008; gnomAD 0.00012 and 0.00013; TOPMed 0.00013; gnomAD exomes 0.00017 and 0.00021; 1000 Genomes Project 0.00020; ExAC 0.00021; 1000 Genomes Project 30x 0.00031.
gnomAD v4.1: 271 of 1,614,006 alleles (0.017%); highest among the groups gnomAD compares: South Asian, 0.051%; 2 homozygotes.

Submissions (4):

Labcorp Genetics (formerly Invitae), Labcorp
Classification: Uncertain significance. Last evaluated: 2026-01-29. Review status: criteria provided, single submitter. Criteria: Invitae Variant Classification Sherloc (09022015). Collection method: clinical testing. Allele origin: germline.
Comment: This sequence change replaces arginine, which is basic and polar, with glutamine, which is neutral and polar, at codon 966 of the SRCAP protein (p.Arg966Gln). This variant is present in population databases (rs186883352, gnomAD 0.05%), and has an allele count higher than expected for a pathogenic variant. This variant has not been reported in the literature in individuals affected with SRCAP-related conditions. ClinVar contains an entry for this variant (Variation ID: 1398890). Invitae Evidence Modeling of protein sequence and biophysical properties (such as structural, functional, and spatial information, amino acid conservation, physicochemical variation, residue mobility, and thermodynamic stability) indicates that this missense variant is not expected to disrupt SRCAP protein function with a negative predictive value of 80%. In summary, the available evidence is currently insufficient to determine the role of this variant in disease. Therefore, it has been classified as a Variant of Uncertain Significance.

CeGaT Center for Human Genetics Tuebingen
Classification: Likely benign. Last evaluated: 2026-01-01. Review status: criteria provided, single submitter. Criteria: CeGaT Center For Human Genetics Tuebingen Variant Classification Criteria Version 2. Collection method: clinical testing. Allele origin: germline. Affected: yes. Observed: 2 variant alleles.
Comment: SRCAP: BP4, BS2

Blueprint Genetics
Classification: Likely benign. Last evaluated: 2024-11-15. Review status: criteria provided, single submitter. Criteria: ACMG Guidelines, 2015. Collection method: clinical testing. Allele origin: germline.

Fulgent Genetics
Classification: Uncertain significance for Floating-Harbor syndrome; Developmental delay, hypotonia, musculoskeletal defects, and behavioral abnormalities. Last evaluated: 2024-05-16. Review status: criteria provided, single submitter. Criteria: ACMG Guidelines, 2015. Collection method: clinical testing. Allele origin: germline.

NM_006662.3(SRCAP):c.2897G>A (p.Arg966Gln)

Gene: SRCAP (Snf2 related CREBBP activator protein; plus strand). Cytogenetic location: 16p11.2.
Variant type: single nucleotide variant.
Coding change: c.2897G>A on transcript NM_006662.3 (MANE Select); coding-DNA position 2897, G replaced by A.
Protein change: p.Arg966Gln; replaces arginine 966 with glutamine.
Molecular consequence: missense variant.
Genome position (GRCh38, 1-based): chr16:30,720,241, G>A. VCF-style: chr16-30720241-G-A. GRCh37 (hg19) VCF-style: chr16-30731562-G-A.
Other names: short protein forms R966Q.
Identifiers: ClinVar variation 1398890 (VCV001398890.15), dbSNP rs186883352, ClinGen allele CA8011345.
Genomic context (GRCh38, chr16:30,720,241, plus strand): 5'-TTGACCTTATTGGCCTGGAAGGTCGTGTCTCTCGATATGAGGCAGACACATTTCTGCCCC[G>A]GCACCGCCTCTCTCGCCGGGTACTGTTAGAAGTGGCTACTGCTCCTGACCCCCCACCCCG-3'
Protein context (NP_006653.2, residues 956-976): SRYEADTFLP[Arg966Gln]HRLSRRVLLE